The following is an entry in ClinVar:

NM_004268.5(MED17):c.379C>T (p.Leu127Phe)

Gene: MED17 (mediator complex subunit 17; plus strand). Cytogenetic location: 11q21.
Variant type: single nucleotide variant.
Coding change: c.379C>T on transcript NM_004268.5 (MANE Select); coding-DNA position 379, C replaced by T.
Protein change: p.Leu127Phe; replaces leucine 127 with phenylalanine.
Molecular consequence: missense variant.
Genome position (GRCh38, 1-based): chr11:93,788,129, C>T. VCF-style: chr11-93788129-C-T. GRCh37 (hg19) VCF-style: chr11-93521295-C-T.
Other names: short protein forms L127F.
Identifiers: ClinVar variation 3360723 (VCV003360723.1).
Genomic context (GRCh38, chr11:93,788,129, plus strand): 5'-ACAGAGATGTGTGTTCTCTATGATGTTCTCAGTATTGTTAGGGATAAAAAATTTATGACT[C>T]TTGATCCTGTCTCTCAGGATGCACTTCCTCCAAAACAGGTATTTGTGGACTTTAATTGAA-3'
Protein context (NP_004259.3, residues 117-137): SIVRDKKFMT[Leu127Phe]DPVSQDALPP

ClinVar aggregate classification (germline): Uncertain significance (1 of 4 stars; one submission).

Submission:

GeneDx
Classification: Uncertain significance. Last evaluated: 2023-07-12. Review status: criteria provided, single submitter. Criteria: GeneDx Variant Classification Process June 2021. Collection method: clinical testing. Allele origin: germline. Affected: yes.
Comment: Has not been previously published as pathogenic or benign to our knowledge; Not observed at significant frequency in large population cohorts (gnomAD); In silico analysis supports that this missense variant has a deleterious effect on protein structure/function